The following is an entry in ClinVar:

ClinVar aggregate classification (germline): Uncertain significance (1 of 4 stars; one submission).

Conditions:
Hereditary cancer-predisposing syndrome. Also called: Neoplastic Syndromes, Hereditary; Tumor predisposition; Hereditary neoplastic syndrome; Hereditary Cancer Syndrome. Identifiers: Orphanet 140162, MedGen C0027672, MeSH D009386, MONDO:0015356.

Submission:

Ambry Genetics
Classification: Uncertain significance for Hereditary cancer-predisposing syndrome. Last evaluated: 2024-05-18. Review status: criteria provided, single submitter. Criteria: Ambry Variant Classification Scheme 2023. Collection method: clinical testing. Allele origin: germline.
Comment: The p.E871D variant (also known as c.2613A>T), located in coding exon 16 of the ATM gene, results from an A to T substitution at nucleotide position 2613. The glutamic acid at codon 871 is replaced by aspartic acid, an amino acid with highly similar properties. This amino acid position is conserved. In addition, this alteration is predicted to be tolerated by in silico analysis. Based on the available evidence, the clinical significance of this variant remains unclear.

NM_000051.4(ATM):c.2613A>T (p.Glu871Asp)

Gene: ATM (ATM serine/threonine kinase; plus strand). Cytogenetic location: 11q22.3.
Variant type: single nucleotide variant.
Coding change: c.2613A>T on transcript NM_000051.4 (MANE Select); coding-DNA position 2613, A replaced by T.
Protein change: p.Glu871Asp; replaces glutamic acid 871 with aspartic acid.
Molecular consequence: missense variant.
Genome position (GRCh38, 1-based): chr11:108,267,317, A>T. VCF-style: chr11-108267317-A-T. GRCh37 (hg19) VCF-style: chr11-108138044-A-T.
Other names: c.2613A>T, p.Glu871Asp (NM_001351834.2); short protein forms E871D.
Identifiers: ClinVar variation 3326290 (VCV003326290.1).
Genomic context (GRCh38, chr11:108,267,317, plus strand): 5'-TCAGTCATCCATGAATCTATTTAACGATTACCCTGATAGTAGTGTTAGTGATGCAAACGA[A>T]CCTGGAGAGAGCCAAAGTACCATAGGTAAATACATATTTACTACTTGGGATTTCTTTTAC-3'
Protein context (NP_000042.3, residues 861-881): YPDSSVSDAN[Glu871Asp]PGESQSTIGA